The following is an entry in ClinVar:

ClinVar aggregate classification (germline): Pathogenic. Review status: criteria provided, single submitter (1 of 4 stars). 2 submissions from 2 submitters: Pathogenic (1). 1 of the submissions does not count toward it. Last evaluated 2022-09-21.

Conditions:
Townes syndrome (TBS). Also called: Townes-Brocks syndrome. Identifiers: Orphanet 857, MedGen C0265246, MeSH C536974, MONDO:0007142.

Submissions (2):

Labcorp Genetics (formerly Invitae), Labcorp
Classification: Pathogenic for Townes syndrome. Last evaluated: 2022-09-21. Review status: criteria provided, single submitter. Criteria: Invitae Variant Classification Sherloc (09022015). Collection method: clinical testing. Allele origin: germline.
Comment: This sequence change creates a premature translational stop signal (p.Leu293Glnfs*18) in the SALL1 gene. It is expected to result in an absent or disrupted protein product. Loss-of-function variants in SALL1 are known to be pathogenic (PMID: 9973281, 12915476, 16088922, 23069192). This variant is not present in population databases (gnomAD no frequency). This variant has not been reported in the literature in individuals affected with SALL1-related conditions. For these reasons, this variant has been classified as Pathogenic.

Department of Nephrology, Jining No.1 People’s Hospital
Classification: Pathogenic for Townes syndrome. Last evaluated: 2023-08-01. Review status: no assertion criteria provided. Collection method: case-control. Allele origin: de novo. Affected: yes. Not counted in ClinVar's aggregate classification.

Literature cited by the submitters: PubMed 9973281 (cited by Labcorp Genetics (formerly Invitae), Labcorp); PubMed 12915476 (cited by Labcorp Genetics (formerly Invitae), Labcorp); PubMed 16088922 (cited by Labcorp Genetics (formerly Invitae), Labcorp); PubMed 23069192 (cited by Labcorp Genetics (formerly Invitae), Labcorp).

NM_002968.3(SALL1):c.878_887del (p.Leu293fs)

Gene: SALL1 (spalt like transcription factor 1; minus strand). Cytogenetic location: 16q12.1.
Variant type: Deletion.
Coding change: c.878_887del on transcript NM_002968.3 (MANE Select); coding-DNA positions 878 to 887, 10 bases deleted (TGGCAGCAGC; older notation c.878_887delTGGCAGCAGC).
Protein change: p.Leu293fs; shifts the reading frame from leucine 293.
Molecular consequence: frameshift variant.
Genome position (GRCh38, 1-based): chr16:51,141,335-51,141,344, GCTGCTGCCA deleted on the plus strand (TGGCAGCAGC on the coding strand, the reverse complement: SALL1 is on the minus strand); deleting any 10 consecutive bases within chr16:51,141,335-51,141,351 gives the same sequence; the c. name uses the placement nearest the transcript's 3' end. VCF-style (leftmost placement, unchanged base first): chr16-51141334-TGCTGCTGCCA-T. GRCh37 (hg19) VCF-style: chr16-51175245-TGCTGCTGCCA-T.
Other names: c.878_887del (NM_002968.2); c.587_596del, p.Leu196fs (NM_001127892.2); c.871_880delCAGCAGCTGG, p.Leu293Glnfs (NM_002968.2); short protein forms L196fs, L293fs.
Identifiers: ClinVar variation 2031602 (VCV002031602.6), dbSNP rs2506494740, ClinGen allele CA2580091581.